The following is an entry in ClinVar:

NM_001244008.2(KIF1A):c.4742A>G (p.Lys1581Arg)

Gene: KIF1A (kinesin family member 1A; minus strand). Cytogenetic location: 2q37.3.
Variant type: single nucleotide variant.
Coding change: c.4742A>G on transcript NM_001244008.2 (MANE Select); coding-DNA position 4742, A replaced by G.
Protein change: p.Lys1581Arg; replaces lysine 1581 with arginine.
Molecular consequence: missense variant.
Genome position (GRCh38, 1-based): chr2:240,721,808, T>C on the plus strand (A>G on the coding strand, the complement: KIF1A is on the minus strand). VCF-style: chr2-240721808-T-C. GRCh37 (hg19) VCF-style: chr2-241661225-T-C.
Other names: c.4466A>G, p.Lys1489Arg (NM_001320705.2, NM_001379649.1); c.4493A>G, p.Lys1498Arg (NM_001330289.2); c.4541A>G, p.Lys1514Arg (NM_001330290.2, NM_001379648.1); c.4817A>G, p.Lys1606Arg (NM_001379631.1); c.4718A>G, p.Lys1573Arg (NM_001379632.1); c.4715A>G, p.Lys1572Arg (NM_001379633.1, NM_001379645.1); c.4568A>G, p.Lys1523Arg (NM_001379634.1); c.4565A>G, p.Lys1522Arg (NM_001379635.1, NM_001379646.1); and 7 more; short protein forms K1479R, K1480R, K1488R, K1489R, K1497R, K1498R, K1505R, K1514R.
Identifiers: ClinVar variation 3754586 (VCV003754586.2).

ClinVar aggregate classification (germline): Uncertain significance (1 of 4 stars; one submission).

Conditions:
Neuropathy, hereditary sensory, type 2C. Also called: KIF1A-Related HSAN2 (HSAN2C); Hereditary sensory and autonomic neuropathy type IIC. Identifiers: Orphanet 970, MedGen C3280168, MONDO:0013634, OMIM 614213.
Hereditary spastic paraplegia 30. Identifiers: Orphanet 101010, MedGen C5235139, MONDO:0012476.
Intellectual disability, autosomal dominant 9 (NESCAVS). Also called: KIF1A-Related Neurodevelopmental Disorder; NESCAV SYNDROME. Identifiers: Orphanet 662367, MedGen C5393830, MONDO:0013656, OMIM 614255.

Submission:

Labcorp Genetics (formerly Invitae), Labcorp
Classification: Uncertain significance for Hereditary spastic paraplegia 30; Neuropathy, hereditary sensory, type 2C; Intellectual disability, autosomal dominant 9. Last evaluated: 2024-02-12. Review status: criteria provided, single submitter. Criteria: Invitae Variant Classification Sherloc (09022015). Collection method: clinical testing. Allele origin: germline.
Comment: This sequence change replaces lysine, which is basic and polar, with arginine, which is basic and polar, at codon 1480 of the KIF1A protein (p.Lys1480Arg). This variant is not present in population databases (gnomAD no frequency). This variant has not been reported in the literature in individuals affected with KIF1A-related conditions. An algorithm developed to predict the effect of missense changes on protein structure and function (PolyPhen-2) suggests that this variant is likely to be tolerated. Algorithms developed to predict the effect of sequence changes on RNA splicing suggest that this variant may disrupt the consensus splice site. In summary, the available evidence is currently insufficient to determine the role of this variant in disease. Therefore, it has been classified as a Variant of Uncertain Significance.